The following is an entry in ClinVar:

NM_000255.4(MMUT):c.1677-1G>T

Gene: MMUT (methylmalonyl-CoA mutase; minus strand). Cytogenetic location: 6p12.3.
Variant type: single nucleotide variant.
Coding change: c.1677-1G>T on transcript NM_000255.4 (MANE Select); the canonical splice acceptor site of the intron before coding-DNA position 1677, G replaced by T.
Molecular consequence: splice acceptor variant.
Genome position (GRCh38, 1-based): chr6:49,441,972, C>A on the plus strand (G>T on the coding strand, the complement: MMUT is on the minus strand). VCF-style: chr6-49441972-C-A. GRCh37 (hg19) VCF-style: chr6-49409685-C-A.
Identifiers: ClinVar variation 1381246 (VCV001381246.6), dbSNP rs754369323, ClinGen allele CA364396194.

ClinVar aggregate classification (germline): Pathogenic (1 of 4 stars; one submission).

Submission:

Labcorp Genetics (formerly Invitae), Labcorp
Classification: Pathogenic. Last evaluated: 2022-04-08. Review status: criteria provided, single submitter. Criteria: Invitae Variant Classification Sherloc (09022015). Collection method: clinical testing. Allele origin: germline.
Comment: For these reasons, this variant has been classified as Pathogenic. Algorithms developed to predict the effect of sequence changes on RNA splicing suggest that this variant may disrupt the consensus splice site. Disruption of this splice site has been observed in individuals with methylmalonic aciduria (PMID: 15643616, 16281286, 31466887). This variant is not present in population databases (gnomAD no frequency). This sequence change affects an acceptor splice site in intron 9 of the MUT gene. It is expected to disrupt RNA splicing. Variants that disrupt the donor or acceptor splice site typically lead to a loss of protein function (PMID: 16199547), and loss-of-function variants in MUT are known to be pathogenic (PMID: 15781192).

Literature cited by the submitters: PubMed 15643616; PubMed 16281286; PubMed 31466887; PubMed 16199547; PubMed 15781192.